The following is an entry in ClinVar:

NM_031935.3(HMCN1):c.15628A>G (p.Ile5210Val)

Gene: HMCN1 (hemicentin 1; plus strand). Cytogenetic location: 1q31.1.
Variant type: single nucleotide variant.
Coding change: c.15628A>G on transcript NM_031935.3 (MANE Select); coding-DNA position 15628, A replaced by G.
Protein change: p.Ile5210Val; replaces isoleucine 5210 with valine.
Molecular consequence: missense variant.
Genome position (GRCh38, 1-based): chr1:186,171,390, A>G. VCF-style: chr1-186171390-A-G. GRCh37 (hg19) VCF-style: chr1-186140522-A-G.
Other names: short protein forms I5210V.
Identifiers: ClinVar variation 3669524 (VCV003669524.2).

ClinVar aggregate classification (germline): Uncertain significance (1 of 4 stars; one submission).

gnomAD v4.1: 4 of 1,613,526 alleles (0.00025%); highest among the groups gnomAD compares: East Asian, 0.0089%; no homozygotes.

Submission:

Labcorp Genetics (formerly Invitae), Labcorp
Classification: Uncertain significance. Last evaluated: 2024-06-30. Review status: criteria provided, single submitter. Criteria: Invitae Variant Classification Sherloc (09022015). Collection method: clinical testing. Allele origin: germline.
Comment: This sequence change replaces isoleucine, which is neutral and non-polar, with valine, which is neutral and non-polar, at codon 5210 of the HMCN1 protein (p.Ile5210Val). This variant is present in population databases (no rsID available, gnomAD 0.06%). This variant has not been reported in the literature in individuals affected with HMCN1-related conditions. Algorithms developed to predict the effect of missense changes on protein structure and function output the following: SIFT: "Not Available"; PolyPhen-2: "Benign"; Align-GVGD: "Not Available". The valine amino acid residue is found in multiple mammalian species, which suggests that this missense change does not adversely affect protein function. In summary, the available evidence is currently insufficient to determine the role of this variant in disease. Therefore, it has been classified as a Variant of Uncertain Significance.